The following is an entry in ClinVar:

ClinVar aggregate classification (germline): Benign (3 of 4 stars; one submission).

Conditions:
Breast-ovarian cancer, familial, susceptibility to, 1 (BROVCA1). Also called: OVARIAN CANCER, SUSCEPTIBILITY TO; BRCA1 Hereditary Breast and Ovarian Cancer. Identifiers: Orphanet 145, MedGen C2676676, MONDO:0011450, OMIM 604370. Disease mechanism: loss of function.

Submission:

Evidence-based Network for the Interpretation of Germline Mutant Alleles (ENIGMA)
Classification: Benign for Breast-ovarian cancer, familial, susceptibility to, 1. Last evaluated: 2019-06-18. Review status: reviewed by expert panel. Criteria: ENIGMA BRCA1/2 Classification Criteria (2017-06-29). Collection method: curation. Allele origin: germline.
Comment: IARC class based on posterior probability from multifactorial likelihood analysis, thresholds for class as per Plon et al. 2008 (PMID: 18951446). Class 1 based on posterior probability = 0.000195

Literature cited by the submitters: PubMed 31131967.

NM_007294.4(BRCA1):c.4081A>T (p.Met1361Leu)

Genes: BRCA1 (BRCA1 DNA repair associated; minus strand), LOC126862571 (BRD4-independent group 4 enhancer GRCh37_chr17:41243136-41244335; plus strand). Cytogenetic location: 17q21.31.
Variant type: single nucleotide variant.
Coding change: c.4081A>T on transcript NM_007294.4 (MANE Select); coding-DNA position 4081, A replaced by T.
Protein change: p.Met1361Leu; replaces methionine 1361 with leucine.
Molecular consequence: missense variant. On other transcripts: intron variant (135).
Genome position (GRCh38, 1-based): chr17:43,091,450, T>A on the plus strand (A>T on the coding strand, the complement: BRCA1 is on the minus strand). VCF-style: chr17-43091450-T-A. GRCh37 (hg19) VCF-style: chr17-41243467-T-A.
Other names: c.4003A>T, p.Met1335Leu (NM_001407656.1, NM_001407657.1, NM_001407658.1 and 4 more transcripts); c.3868A>T, p.Met1290Leu (NM_001407571.1, NM_001407853.1, NM_001407894.1 and 9 more transcripts); c.4000A>T, p.Met1334Leu (NM_001407659.1, NM_001407660.1, NM_001407661.1 and 1 more transcripts); c.4081A>T, p.Met1361Leu (NM_001407581.1, NM_001407582.1, NM_001407583.1 and 30 more transcripts); c.3958A>T, p.Met1320Leu (NM_001407664.1, NM_001407665.1, NM_001407666.1 and 19 more transcripts); c.4078A>T, p.Met1360Leu (NM_001407587.1, NM_001407590.1, NM_001407591.1 and 22 more transcripts); c.3955A>T, p.Met1319Leu (NM_001407670.1, NM_001407671.1, NM_001407672.1 and 11 more transcripts); c.3940A>T, p.Met1314Leu (NM_001407692.1, NM_001407694.1, NM_001407695.1 and 29 more transcripts); and 41 more; short protein forms M1361L, M1314L, M1233L, M1272L, M1290L, M1313L, M1273L, M1319L.
Identifiers: ClinVar variation 812551 (VCV000812551.4), dbSNP rs80357218, ClinGen allele CA10593796.